The following is an entry in ClinVar:

NM_052874.5(STX1B):c.159G>A (p.Val53=)

Gene: STX1B (syntaxin 1B; minus strand). Cytogenetic location: 16p11.2.
Variant type: single nucleotide variant.
Coding change: c.159G>A on transcript NM_052874.5 (MANE Select); coding-DNA position 159, G replaced by A.
Protein change: p.Val53=; no amino-acid change (valine 53 retained).
Molecular consequence: synonymous variant.
Genome position (GRCh38, 1-based): chr16:31,001,140, C>T on the plus strand (G>A on the coding strand, the complement: STX1B is on the minus strand). VCF-style: chr16-31001140-C-T. GRCh37 (hg19) VCF-style: chr16-31012461-C-T.
Identifiers: ClinVar variation 4726894 (VCV004726894.1).

ClinVar aggregate classification (germline): Uncertain significance (1 of 4 stars; one submission).

Conditions:
Generalized epilepsy with febrile seizures plus, type 9 (GEFSP9). Also called: GEFS+, TYPE 9. Identifiers: Orphanet 36387, MedGen C4015395, MONDO:0014517, OMIM 616172.

Submission:

Labcorp Genetics (formerly Invitae), Labcorp
Classification: Uncertain significance for Generalized epilepsy with febrile seizures plus, type 9. Last evaluated: 2025-09-10. Review status: criteria provided, single submitter. Criteria: Invitae Variant Classification Sherloc (09022015). Collection method: clinical testing. Allele origin: germline.
Comment: This sequence change affects codon 53 of the STX1B mRNA. It is a 'silent' change, meaning that it does not change the encoded amino acid sequence of the STX1B protein. This variant is not present in population databases (gnomAD no frequency). This variant has not been reported in the literature in individuals affected with STX1B-related conditions. Algorithms developed to predict the effect of sequence changes on RNA splicing suggest that this variant may create or strengthen a splice site. In summary, the available evidence is currently insufficient to determine the role of this variant in disease. Therefore, it has been classified as a Variant of Uncertain Significance.